The following is an entry in ClinVar:

NM_012448.4(STAT5B):c.1351G>A (p.Gly451Ser)

Gene: STAT5B (signal transducer and activator of transcription 5B; minus strand). Cytogenetic location: 17q21.2.
Variant type: single nucleotide variant.
Coding change: c.1351G>A on transcript NM_012448.4 (MANE Select); coding-DNA position 1351, G replaced by A.
Protein change: p.Gly451Ser; replaces glycine 451 with serine.
Molecular consequence: missense variant.
Genome position (GRCh38, 1-based): chr17:42,217,189, C>T on the plus strand (G>A on the coding strand, the complement: STAT5B is on the minus strand). VCF-style: chr17-42217189-C-T. GRCh37 (hg19) VCF-style: chr17-40369207-C-T.
Other names: short protein forms G451S.
Identifiers: ClinVar variation 3639771 (VCV003639771.2).
Genomic context (GRCh38, chr17:42,217,189, plus strand): 5'-ACGCACACGCAGAGCTGAGGGAAGGCTTTACCTTGACTTGAAAAACCAGCTCATTTCCAC[C>T]AACACTGAACTGGGATTCAAACAGGATTGTAAATTTTTCTTCTGTCACCGACTCTGCCCC-3'
Protein context (NP_036580.2, residues 441-461): TILFESQFSV[Gly451Ser]GNELVFQVKT

ClinVar aggregate classification (germline): Uncertain significance (1 of 4 stars; one submission).

Conditions:
Growth hormone insensitivity with immune dysregulation 1, autosomal recessive. Also called: LARON SYNDROME DUE TO POSTRECEPTOR DEFECT; GROWTH HORMONE INSENSITIVITY DUE TO POSTRECEPTOR DEFECT; GROWTH HORMONE INSENSITIVITY SYNDROME WITH IMMUNE DYSREGULATION 1, AUTOSOMAL RECESSIVE; Laron syndrome with immunodeficiency. Identifiers: Orphanet 220465, MedGen C5435698, MONDO:0100211, OMIM 245590.

gnomAD v4.1: 2 of 1,613,830 alleles (0.00012%); highest among the groups gnomAD compares: Non-Finnish European, 0.00017%; no homozygotes.

Submission:

Labcorp Genetics (formerly Invitae), Labcorp
Classification: Uncertain significance for Growth hormone insensitivity with immune dysregulation 1, autosomal recessive. Last evaluated: 2024-02-08. Review status: criteria provided, single submitter. Criteria: Invitae Variant Classification Sherloc (09022015). Collection method: clinical testing. Allele origin: germline.
Comment: This sequence change replaces glycine, which is neutral and non-polar, with serine, which is neutral and polar, at codon 451 of the STAT5B protein (p.Gly451Ser). This variant is present in population databases (no rsID available, gnomAD 0.0009%). This variant has not been reported in the literature in individuals affected with STAT5B-related conditions. Advanced modeling of protein sequence and biophysical properties (such as structural, functional, and spatial information, amino acid conservation, physicochemical variation, residue mobility, and thermodynamic stability) performed at Invitae indicates that this missense variant is not expected to disrupt STAT5B protein function with a negative predictive value of 80%. In summary, the available evidence is currently insufficient to determine the role of this variant in disease. Therefore, it has been classified as a Variant of Uncertain Significance.